The following is an entry in ClinVar:

ClinVar aggregate classification (germline): Uncertain significance. Review status: criteria provided, multiple submitters, no conflicts (2 of 4 stars). 4 submissions from 4 submitters: Uncertain significance (4). Last evaluated 2026-02-04.

Conditions:
Hereditary cancer-predisposing syndrome. Also called: Tumor predisposition; Neoplastic Syndromes, Hereditary; Hereditary Cancer Syndrome; Hereditary neoplastic syndrome. Identifiers: Orphanet 140162, MedGen C0027672, MeSH D009386, MONDO:0015356.
Ataxia-telangiectasia syndrome (AT). Also called: ATAXIA-TELANGIECTASIA, COMPLEMENTATION GROUP A; ATAXIA-TELANGIECTASIA, FRESNO VARIANT; LOUIS-BAR SYNDROME; Ataxia telangiectasia (A-T); Cerebello-oculocutaneous telangiectasia; Immunodeficiency with ataxia telangiectasia. Identifiers: Orphanet 100, MedGen C0004135, MONDO:0008840, OMIM 208900.
Familial cancer of breast. Also called: BREAST CANCER, FAMILIAL; Hereditary breast cancer; hereditary breast carcinoma. Identifiers: Orphanet 227535, MedGen C0346153, MONDO:0016419, OMIM 114480. Disease mechanism: loss of function.

Allele frequency attached by ClinVar (database versions not stated): gnomAD exomes below 0.00001.
gnomAD v4.1: 1 of 1,613,852 alleles (0.000062%); highest among the groups gnomAD compares: Admixed American, 0.0017%; no homozygotes.

Submissions (4):

Labcorp Genetics (formerly Invitae), Labcorp
Classification: Uncertain significance for Ataxia-telangiectasia syndrome. Last evaluated: 2026-02-04. Review status: criteria provided, single submitter. Criteria: Invitae Variant Classification Sherloc (09022015). Collection method: clinical testing. Allele origin: germline.
Comment: This sequence change replaces lysine, which is basic and polar, with glutamine, which is neutral and polar, at codon 208 of the ATM protein (p.Lys208Gln). This variant is present in population databases (no rsID available, gnomAD 0.003%). This variant has not been reported in the literature in individuals affected with ATM-related conditions. ClinVar contains an entry for this variant (Variation ID: 628045). Invitae Evidence Modeling of protein sequence and biophysical properties (such as structural, functional, and spatial information, amino acid conservation, physicochemical variation, residue mobility, and thermodynamic stability) indicates that this missense variant is not expected to disrupt ATM protein function with a negative predictive value of 95%. In summary, the available evidence is currently insufficient to determine the role of this variant in disease. Therefore, it has been classified as a Variant of Uncertain Significance.

Color Diagnostics, LLC DBA Color Health
Classification: Uncertain significance for Hereditary cancer-predisposing syndrome. Last evaluated: 2023-12-05. Review status: criteria provided, single submitter. Criteria: ACMG Guidelines, 2015. Collection method: clinical testing. Allele origin: germline.
Comment: This missense variant replaces lysine with glutamine at codon 208 of the ATM protein. Computational prediction suggests that this variant may not impact protein structure and function (internally defined REVEL score threshold <= 0.5, PMID: 27666373). To our knowledge, functional studies have not been reported for this variant. This variant has not been reported in individuals affected with ATM-related disorders in the literature. This variant has been identified in 1/251206 chromosomes in the general population by the Genome Aggregation Database (gnomAD). The available evidence is insufficient to determine the role of this variant in disease conclusively. Therefore, this variant is classified as a Variant of Uncertain Significance.

Ambry Genetics
Classification: Uncertain significance for Hereditary cancer-predisposing syndrome. Last evaluated: 2023-11-02. Review status: criteria provided, single submitter. Criteria: Ambry Variant Classification Scheme 2023. Collection method: clinical testing. Allele origin: germline.
Comment: The p.K208Q variant (also known as c.622A>C), located in coding exon 5 of the ATM gene, results from an A to C substitution at nucleotide position 622. The lysine at codon 208 is replaced by glutamine, an amino acid with similar properties. This amino acid position is not well conserved in available vertebrate species. In addition, this alteration is predicted to be tolerated by in silico analysis. Since supporting evidence is limited at this time, the clinical significance of this alteration remains unclear.

Baylor Genetics
Classification: Uncertain significance for Familial cancer of breast. Last evaluated: 2023-05-12. Review status: criteria provided, single submitter. Criteria: ACMG Guidelines, 2015. Collection method: clinical testing. Allele origin: unknown.

NM_000051.4(ATM):c.622A>C (p.Lys208Gln)

Gene: ATM (ATM serine/threonine kinase; plus strand). Cytogenetic location: 11q22.3.
Variant type: single nucleotide variant.
Coding change: c.622A>C on transcript NM_000051.4 (MANE Select); coding-DNA position 622, A replaced by C.
Protein change: p.Lys208Gln; replaces lysine 208 with glutamine.
Molecular consequence: missense variant.
Genome position (GRCh38, 1-based): chr11:108,244,078, A>C. VCF-style: chr11-108244078-A-C. GRCh37 (hg19) VCF-style: chr11-108114805-A-C.
Other names: c.622A>C, p.Lys208Gln (NM_001351834.2); short protein forms K208Q.
Identifiers: ClinVar variation 628045 (VCV000628045.19), dbSNP rs1292617227, ClinGen allele CA382528284.